The following is an entry in ClinVar:

NM_007055.4(POLR3A):c.2658T>A (p.Tyr886Ter)

Gene: POLR3A (RNA polymerase III subunit A; minus strand). Cytogenetic location: 10q22.3.
Variant type: single nucleotide variant.
Coding change: c.2658T>A on transcript NM_007055.4 (MANE Select); coding-DNA position 2658, T replaced by A.
Protein change: p.Tyr886Ter; replaces tyrosine 886 with a stop codon.
Molecular consequence: nonsense.
Genome position (GRCh38, 1-based): chr10:77,993,326, A>T on the plus strand (T>A on the coding strand, the complement: POLR3A is on the minus strand). VCF-style: chr10-77993326-A-T. GRCh37 (hg19) VCF-style: chr10-79753084-A-T.
Other names: short protein forms Y886*.
Identifiers: ClinVar variation 1427214 (VCV001427214.6), dbSNP rs995590193, ClinGen allele CA210195198.
Genomic context (GRCh38, chr10:77,993,326, plus strand): 5'-GCCATCTCCTCCATAAATGAACTGGATAATATCGCCAGTAGAGCTTCGGACTGTCAGATC[A>T]TACTGGGAGCAAAGATCTTCAAGAGATTTGACAAGCCTTCGCTAAAGGAAAAGGAGGAAA-3'

ClinVar aggregate classification (germline): Pathogenic (1 of 4 stars; one submission).

Allele frequency attached by ClinVar (database versions not stated): gnomAD exomes below 0.00001; TOPMed below 0.00001.
gnomAD v4.1: 3 of 1,613,510 alleles (0.00019%); highest among the groups gnomAD compares: Non-Finnish European, 0.00025%; no homozygotes.

Submission:

Labcorp Genetics (formerly Invitae), Labcorp
Classification: Pathogenic. Last evaluated: 2024-02-24. Review status: criteria provided, single submitter. Criteria: Invitae Variant Classification Sherloc (09022015). Collection method: clinical testing. Allele origin: germline.
Comment: This sequence change creates a premature translational stop signal (p.Tyr886*) in the POLR3A gene. It is expected to result in an absent or disrupted protein product. Loss-of-function variants in POLR3A are known to be pathogenic (PMID: 21855841, 25339210, 27612211, 30414627, 30450527). This variant is not present in population databases (gnomAD no frequency). This variant has not been reported in the literature in individuals affected with POLR3A-related conditions. ClinVar contains an entry for this variant (Variation ID: 1427214). For these reasons, this variant has been classified as Pathogenic.

Literature cited by the submitters: PubMed 21855841; PubMed 25339210; PubMed 27612211; PubMed 30414627; PubMed 30450527.